The following is an entry in ClinVar:

ClinVar aggregate classification (germline): Likely benign (1 of 4 stars; one submission).

Allele frequency attached by ClinVar (database versions not stated): gnomAD exomes 0.00004; gnomAD 0.00005; TOPMed 0.00008; ExAC 0.00022.
gnomAD v4.1: 56 of 1,513,588 alleles (0.0037%); highest among the groups gnomAD compares: Admixed American, 0.11%; 1 homozygote.

Submission:

CeGaT Center for Human Genetics Tuebingen
Classification: Likely benign. Last evaluated: 2023-02-01. Review status: criteria provided, single submitter. Criteria: CeGaT Center For Human Genetics Tuebingen Variant Classification Criteria Version 2. Collection method: clinical testing. Allele origin: germline. Affected: yes. Observed: 1 variant allele.
Comment: PARD3: BP4, BS2

NM_001184785.2(PARD3):c.120+7G>A

Gene: PARD3 (par-3 family cell polarity regulator; minus strand). Cytogenetic location: 10p11.21.
Variant type: single nucleotide variant.
Coding change: c.120+7G>A on transcript NM_001184785.2 (MANE Select); 7 bases into the intron after coding-DNA position 120, G replaced by A.
Molecular consequence: intron variant.
Genome position (GRCh38, 1-based): chr10:34,814,869, C>T on the plus strand (G>A on the coding strand, the complement: PARD3 is on the minus strand). VCF-style: chr10-34814869-C-T. GRCh37 (hg19) VCF-style: chr10-35103797-C-T.
Other names: c.120+7G>A (NM_001184793.2, NM_001184792.2, NM_001184790.2 and 7 more transcripts).
Identifiers: ClinVar variation 2640404 (VCV002640404.24), dbSNP rs776623871, ClinGen allele CA5468272.
Genomic context (GRCh38, chr10:34,814,869, plus strand): 5'-GCGCCATATTGATCCCGGCGCCGTCCCCGCCGCCGCCCCCTCCCCGCCCGCGCCCCCGGC[C>T]CCTCACCTTGGCGATGGCCTTCCGGTAGCGGGTCACCGCCTGCTGGATGAGGCTGAAAAC-3'